The following is an entry in ClinVar:

ClinVar aggregate classification (germline): Likely pathogenic (1 of 4 stars; one submission).

Conditions:
Wiedemann-Steiner syndrome (WDSTS). Also called: Growth deficiency and mental retardation with facial dysmorphism. Identifiers: Orphanet 319182, MedGen C1854630, MONDO:0011518, OMIM 605130.

Submission:

CGC Genetics, Unilabs
Classification: Likely pathogenic for Wiedemann-Steiner syndrome. Last evaluated: 2026-04-29. Review status: criteria provided, single submitter. Criteria: ACMG Guidelines, 2015. Collection method: clinical testing. Allele origin: germline. Inheritance: Autosomal dominant inheritance. Affected: yes. Observed: 1 variant allele.
Comment: The NM_001197104.2:c.502+2T>A p.? variant, detected in heterozygosity in intron 2 (of 36 exons) of the KMT2A gene (chromosome 11), is not described in the literature or in the ClinVar and gnomAD databases. This variant is located at a canonical splicing site in intron 2 and is therefore predicted to affect the correct splicing of exon 2. Based on the information currently available, this should be classified as a likely pathogenic variant.

NM_001197104.2(KMT2A):c.502+2T>A

Gene: KMT2A (lysine methyltransferase 2A; plus strand). Cytogenetic location: 11q23.3.
Variant type: single nucleotide variant.
Coding change: c.502+2T>A on transcript NM_001197104.2 (MANE Select); the canonical splice donor site of the intron after coding-DNA position 502, T replaced by A.
Molecular consequence: splice donor variant.
Genome position (GRCh38, 1-based): chr11:118,468,846, T>A. VCF-style: chr11-118468846-T-A. GRCh37 (hg19) VCF-style: chr11-118339561-T-A.
Other names: c.601+2T>A (NM_001412597.1); c.502+2T>A (NM_005933.4).
Identifiers: ClinVar variation 4851609 (VCV004851609.1).